The following is an entry in ClinVar:

ClinVar aggregate classification (germline): Uncertain significance (1 of 4 stars; one submission).

gnomAD v4.1: 3 of 1,612,530 alleles (0.00019%); highest among the groups gnomAD compares: African/African-American, 0.0027%; no homozygotes.

Submission:

GeneDx
Classification: Uncertain significance. Last evaluated: 2023-06-08. Review status: criteria provided, single submitter. Criteria: GeneDx Variant Classification Process June 2021. Collection method: clinical testing. Allele origin: germline. Affected: yes.
Comment: Not observed at significant frequency in large population cohorts (gnomAD); In silico analysis supports that this missense variant has a deleterious effect on protein structure/function; Has not been previously published as pathogenic or benign to our knowledge

NM_000170.3(GLDC):c.2125A>T (p.Asn709Tyr)

Gene: GLDC (glycine decarboxylase; minus strand). Cytogenetic location: 9p24.1.
Variant type: single nucleotide variant.
Coding change: c.2125A>T on transcript NM_000170.3 (MANE Select); coding-DNA position 2125, A replaced by T.
Protein change: p.Asn709Tyr; replaces asparagine 709 with tyrosine.
Molecular consequence: missense variant.
Genome position (GRCh38, 1-based): chr9:6,556,230, T>A on the plus strand (A>T on the coding strand, the complement: GLDC is on the minus strand). VCF-style: chr9-6556230-T-A. GRCh37 (hg19) VCF-style: chr9-6556230-T-A.
Other names: short protein forms N709Y.
Identifiers: ClinVar variation 3359608 (VCV003359608.1).
Genomic context (GRCh38, chr9:6,556,230, plus strand): 5'-CCCCGTCTAGGTAGACCTGTCCTCCATGTTGATGGATGAGGTCACACACGTCACTGATGT[T>A]CTCTTCAAACACCCCATTGGTGGATGGGTATGTAATCATGATAGCTGCTAGGTTCTCCTT-3'
Protein context (NP_000161.2, residues 699-719): YPSTNGVFEE[Asn709Tyr]ISDVCDLIHQ